The following is an entry in ClinVar:

ClinVar aggregate classification (germline): Likely pathogenic (1 of 4 stars; one submission).

Conditions:
Multiple endocrine neoplasia, type 2 (MEN2). Identifiers: Orphanet 653, MedGen C4048306, MONDO:0019003. Disease mechanism: gain of function.

Submission:

Labcorp Genetics (formerly Invitae), Labcorp
Classification: Likely pathogenic for Multiple endocrine neoplasia, type 2. Last evaluated: 2025-08-18. Review status: criteria provided, single submitter. Criteria: Invitae Variant Classification Sherloc (09022015). Collection method: clinical testing. Allele origin: germline.
Comment: This sequence change replaces cysteine, which is neutral and slightly polar, with glycine, which is neutral and non-polar, at codon 630 of the RET protein (p.Cys630Gly). This variant is not present in population databases (gnomAD no frequency). This missense change has been observed in individuals with clinical features of multiple endocrine neoplasia type 2 (internal data). ClinVar contains an entry for this variant (Variation ID: 958196). An algorithm developed to predict the effect of missense changes on protein structure and function (PolyPhen-2) suggests that this variant is likely to be tolerated. This variant disrupts the p.Cys630 amino acid residue in RET. Other variant(s) that disrupt this residue have been determined to be pathogenic (PMID: 9223675, 17527003, 21054478). This suggests that this residue is clinically significant, and that variants that disrupt this residue are likely to be disease-causing. In summary, the currently available evidence indicates that the variant is pathogenic, but additional data are needed to prove that conclusively. Therefore, this variant has been classified as Likely Pathogenic.

Literature cited by the submitters: PubMed 9223675; PubMed 17527003; PubMed 21054478.

NM_020975.6(RET):c.1888T>G (p.Cys630Gly)

Gene: RET (ret proto-oncogene; plus strand). Cytogenetic location: 10q11.21.
Variant type: single nucleotide variant.
Coding change: c.1888T>G on transcript NM_020975.6 (MANE Select); coding-DNA position 1888, T replaced by G.
Protein change: p.Cys630Gly; replaces cysteine 630 with glycine.
Molecular consequence: missense variant.
Genome position (GRCh38, 1-based): chr10:43,114,488, T>G. VCF-style: chr10-43114488-T-G. GRCh37 (hg19) VCF-style: chr10-43609936-T-G.
Other names: c.1450T>G, p.Cys484Gly (NM_001406771.1, NM_001406773.1); c.1492T>G, p.Cys498Gly (NM_001406772.1, NM_001406769.1); c.1363T>G, p.Cys455Gly (NM_001406774.1); c.1162T>G, p.Cys388Gly (NM_001406775.1, NM_001406776.1, NM_001406777.1 and 1 more transcripts); c.991T>G, p.Cys331Gly (NM_001406779.1, NM_001406780.1, NM_001406781.1 and 1 more transcripts); c.862T>G, p.Cys288Gly (NM_001406783.1, NM_001406786.1); c.1888T>G, p.Cys630Gly (NM_000323.2, NM_001406743.1, NM_001406744.1 and 4 more transcripts); c.898T>G, p.Cys300Gly (NM_001406784.1); and 7 more; short protein forms C376G, C630G, C147G, C195G, C288G, C331G, C235G, C484G.
Identifiers: ClinVar variation 958196 (VCV000958196.8), dbSNP rs377767404, ClinGen allele CA376552897.